The following is an entry in ClinVar:

NM_004991.4(MECOM):c.1006C>T (p.Arg336Trp)

Gene: MECOM (MDS1 and EVI1 complex locus; minus strand). Cytogenetic location: 3q26.2.
Variant type: single nucleotide variant.
Coding change: c.1006C>T on transcript NM_004991.4 (MANE Select); coding-DNA position 1006, C replaced by T.
Protein change: p.Arg336Trp; replaces arginine 336 with tryptophan.
Molecular consequence: missense variant.
Genome position (GRCh38, 1-based): chr3:169,121,182, G>A on the plus strand (C>T on the coding strand, the complement: MECOM is on the minus strand). VCF-style: chr3-169121182-G-A. GRCh37 (hg19) VCF-style: chr3-168838970-G-A.
Other names: c.637C>T, p.Arg213Trp (NM_001105077.4); c.442C>T, p.Arg148Trp (NM_001105078.4, NM_001164000.2, NM_001205194.2 and 5 more transcripts); c.445C>T, p.Arg149Trp (NM_001163999.2, NM_001366467.2, NM_001366468.2 and 1 more transcripts); c.1006C>T, p.Arg336Trp (NM_001366466.2, NM_001366473.2); short protein forms R149W, R213W, R148W, R336W.
Identifiers: ClinVar variation 4826731 (VCV004826731.1).

ClinVar aggregate classification (germline): Uncertain significance (1 of 4 stars; one submission).

Conditions:
Inborn genetic diseases. Identifiers: MedGen C0950123, MeSH D030342.

Submission:

Ambry Genetics
Classification: Uncertain significance for Inborn genetic diseases. Last evaluated: 2026-03-14. Review status: criteria provided, single submitter. Criteria: Ambry Variant Classification Scheme 2023. Collection method: clinical testing. Allele origin: germline.
Comment: The p.R336W variant (also known as c.1006C>T), located in coding exon 7 of the MECOM gene, results from a C to T substitution at nucleotide position 1006. The arginine at codon 336 is replaced by tryptophan, an amino acid with dissimilar properties. This amino acid position is conserved. In addition, this alteration is predicted to be deleterious by in silico analysis. Based on the available evidence, the clinical significance of this variant remains unclear.